The following is an entry in ClinVar:

NM_006904.7(PRKDC):c.7589G>A (p.Arg2530Lys)

Gene: PRKDC (protein kinase, DNA-activated, catalytic subunit; minus strand). Cytogenetic location: 8q11.21.
Variant type: single nucleotide variant.
Coding change: c.7589G>A on transcript NM_006904.7 (MANE Select); coding-DNA position 7589, G replaced by A.
Protein change: p.Arg2530Lys; replaces arginine 2530 with lysine.
Molecular consequence: missense variant.
Genome position (GRCh38, 1-based): chr8:47,837,384, C>T on the plus strand (G>A on the coding strand, the complement: PRKDC is on the minus strand). VCF-style: chr8-47837384-C-T. GRCh37 (hg19) VCF-style: chr8-48749945-C-T.
Other names: c.7589G>A, p.Arg2530Lys (NM_001081640.2); short protein forms R2530K.
Identifiers: ClinVar variation 3225911 (VCV003225911.1), dbSNP rs768725091, ClinGen allele CA371153365.

ClinVar aggregate classification (germline): Uncertain significance (1 of 4 stars; one submission).

Submission:

Ambry Genetics
Classification: Uncertain significance. Last evaluated: 2024-02-02. Review status: criteria provided, single submitter. Criteria: Ambry Variant Classification Scheme 2023. Collection method: clinical testing. Allele origin: germline.
Comment: The p.R2530K variant (also known as c.7589G>A), located in coding exon 57 of the PRKDC gene, results from a G to A substitution at nucleotide position 7589. The arginine at codon 2530 is replaced by lysine, an amino acid with highly similar properties. This amino acid position is conserved. Based on the available evidence, the clinical significance of this alteration remains unclear.